The following is an entry in ClinVar:

NM_007055.4(POLR3A):c.2248-1G>C

Gene: POLR3A (RNA polymerase III subunit A; minus strand). Cytogenetic location: 10q22.3.
Variant type: single nucleotide variant.
Coding change: c.2248-1G>C on transcript NM_007055.4 (MANE Select); the canonical splice acceptor site of the intron before coding-DNA position 2248, G replaced by C.
Molecular consequence: splice acceptor variant.
Genome position (GRCh38, 1-based): chr10:78,002,309, C>G on the plus strand (G>C on the coding strand, the complement: POLR3A is on the minus strand). VCF-style: chr10-78002309-C-G. GRCh37 (hg19) VCF-style: chr10-79762067-C-G.
Identifiers: ClinVar variation 2098615 (VCV002098615.4), dbSNP rs2493209656, ClinGen allele CA377337332.
Genomic context (GRCh38, chr10:78,002,309, plus strand): 5'-CCGGAGGCAGGCACTGCCAGCGTGGTCACGGATCACAGACAGCTCCTTCAGGATCAGTGC[C>G]TAGTGGGAGAAAAGGAGATCCTTGGTGGGTTGTCCTCATTGTCTCTGTGGATTACAAATG-3'

ClinVar aggregate classification (germline): Likely pathogenic (1 of 4 stars; one submission).

Submission:

Labcorp Genetics (formerly Invitae), Labcorp
Classification: Likely pathogenic. Last evaluated: 2022-09-14. Review status: criteria provided, single submitter. Criteria: Invitae Variant Classification Sherloc (09022015). Collection method: clinical testing. Allele origin: germline.
Comment: This variant has not been reported in the literature in individuals affected with POLR3A-related conditions. This sequence change affects an acceptor splice site in intron 16 of the POLR3A gene. It is expected to disrupt RNA splicing. Variants that disrupt the donor or acceptor splice site typically lead to a loss of protein function (PMID: 16199547), and loss-of-function variants in POLR3A are known to be pathogenic (PMID: 21855841, 25339210, 27612211, 30414627, 30450527). This variant is not present in population databases (gnomAD no frequency). Algorithms developed to predict the effect of sequence changes on RNA splicing suggest that this variant may disrupt the consensus splice site. In summary, the currently available evidence indicates that the variant is pathogenic, but additional data are needed to prove that conclusively. Therefore, this variant has been classified as Likely Pathogenic.

Literature cited by the submitters: PubMed 16199547; PubMed 21855841; PubMed 25339210; PubMed 27612211; PubMed 30414627; PubMed 30450527.